The following is an entry in ClinVar:

ClinVar aggregate classification (germline): Pathogenic (1 of 4 stars; one submission).

Conditions:
Pyruvate dehydrogenase E3 deficiency (DLDD). Also called: Dihydrolipoamide Dehydrogenase E3 Deficiency; Dihydrolipoamide Dehydrogenase Deficiency; Dihydrolipoamide Dehydrogenase (E3) Deficiency; Lipoamide dehydrogenase deficiency, lactic acidosis due to; Lipoamide dehydrogenase deficiency; MAPLE SYRUP URINE DISEASE, TYPE III. Identifiers: Orphanet 2394, Orphanet 765, MedGen C5574660, MONDO:0009529, OMIM 246900.

Allele frequency attached by ClinVar (database versions not stated): gnomAD exomes below 0.00001.
gnomAD v4.1: 1 of 1,613,652 alleles (0.000062%); highest among the groups gnomAD compares: Non-Finnish European, 0.000085%; no homozygotes.

Submission:

Labcorp Genetics (formerly Invitae), Labcorp
Classification: Pathogenic for Pyruvate dehydrogenase E3 deficiency. Last evaluated: 2021-05-04. Review status: criteria provided, single submitter. Criteria: Invitae Variant Classification Sherloc (09022015). Collection method: clinical testing. Allele origin: germline.
Comment: This sequence change creates a premature translational stop signal (p.Tyr153*) in the DLD gene. It is expected to result in an absent or disrupted protein product. Loss-of-function variants in DLD are known to be pathogenic (PMID: 8968745, 9934985). This variant is not present in population databases (ExAC no frequency). This variant has not been reported in the literature in individuals with DLD-related conditions. Algorithms developed to predict the effect of sequence changes on RNA splicing suggest that this variant may create or strengthen a splice site, but this prediction has not been confirmed by published transcriptional studies. For these reasons, this variant has been classified as Pathogenic.

Literature cited by the submitters: PubMed 8968745; PubMed 9934985.

NM_000108.5(DLD):c.459T>G (p.Tyr153Ter)

Gene: DLD (dihydrolipoamide dehydrogenase; plus strand). Cytogenetic location: 7q31.1.
Variant type: single nucleotide variant.
Coding change: c.459T>G on transcript NM_000108.5 (MANE Select); coding-DNA position 459, T replaced by G.
Protein change: p.Tyr153Ter; replaces tyrosine 153 with a stop codon.
Molecular consequence: nonsense. On other transcripts: intron variant (1).
Genome position (GRCh38, 1-based): chr7:107,905,381, T>G. VCF-style: chr7-107905381-T-G. GRCh37 (hg19) VCF-style: chr7-107545826-T-G.
Other names: c.162T>G, p.Tyr54Ter (NM_001289750.1); c.390T>G, p.Tyr130Ter (NM_001289751.1); c.438+323T>G (NM_001289752.1); short protein forms Y153*, Y54*, Y130*.
Identifiers: ClinVar variation 1353559 (VCV001353559.6), dbSNP rs2116221384, ClinGen allele CA368855459.